The following is an entry in ClinVar:

NM_001127208.3(TET2):c.4879C>T (p.Gln1627Ter)

Genes: TET2 (tet methylcytosine dioxygenase 2; plus strand), TET2-AS1 (TET2 antisense RNA 1; minus strand). Cytogenetic location: 4q24.
Variant type: single nucleotide variant.
Coding change: c.4879C>T on transcript NM_001127208.3 (MANE Select); coding-DNA position 4879, C replaced by T.
Protein change: p.Gln1627Ter; replaces glutamine 1627 with a stop codon.
Molecular consequence: nonsense.
Genome position (GRCh38, 1-based): chr4:105,275,389, C>T. VCF-style: chr4-105275389-C-T. GRCh37 (hg19) VCF-style: chr4-106196546-C-T.
Other names: short protein forms Q1627*.
Identifiers: ClinVar variation 1315792 (VCV001315792.2), dbSNP rs897547172, ClinGen allele CA102780428.

ClinVar aggregate classification (germline): Uncertain significance (1 of 4 stars; one submission).

Allele frequency attached by ClinVar (database versions not stated): gnomAD exomes below 0.00001.
gnomAD v4.1: 2 of 1,551,608 alleles (0.00013%); highest among the groups gnomAD compares: Non-Finnish European, 0.000087%; no homozygotes.

Submission:

GeneDx
Classification: Uncertain significance. Last evaluated: 2019-07-30. Review status: criteria provided, single submitter. Criteria: GeneDx Variant Classification Process June 2021. Collection method: clinical testing. Allele origin: germline. Affected: yes.
Comment: Previously reported as a likely somatic variant in the bone marrow of a patient with blastic plasmacytoid dendritic cell neoplasm, however, it is unclear if absence of this variant in the germline was confirmed (Alayed et al., 2013); Nonsense variant predicted to result in protein truncation, although loss-of-function variants have not been reported downstream of this position in the protein; Not observed in large population cohorts (Lek et al., 2016); This variant is associated with the following publications: (PMID: 23940084)